The following is an entry in ClinVar:

ClinVar aggregate classification (germline): Likely pathogenic (1 of 4 stars; one submission).

Conditions:
CRYGC-related disorder. Also called: CRYGC-related condition.

Submission:

PreventionGenetics, part of Exact Sciences
Classification: Likely pathogenic for CRYGC-related condition. Last evaluated: 2025-04-24. Review status: criteria provided, single submitter. Criteria: ACMG Guidelines, 2015. Collection method: clinical testing. Allele origin: germline.
Comment: The CRYGC c.160_169del10 variant is predicted to result in a frameshift and premature protein termination (p.Gln54Cysfs*46). To our knowledge, this variant has not been reported in the literature or in a large population database (gnomAD), indicating this variant is rare. Frameshift variants in CRYGC are expected to be pathogenic. This variant is interpreted as likely pathogenic.

NM_020989.4(CRYGC):c.160_169del (p.Gln54fs)

Genes: CRYGC (crystallin gamma C; minus strand), LOC100507443 (uncharacterized LOC100507443; plus strand). Cytogenetic location: 2q33.3.
Variant type: Deletion.
Coding change: c.160_169del on transcript NM_020989.4 (MANE Select); coding-DNA positions 160 to 169, 10 bases deleted (CAACAATACT; older notation c.160_169delCAACAATACT).
Protein change: p.Gln54fs; shifts the reading frame from glutamine 54.
Molecular consequence: frameshift variant.
Genome position (GRCh38, 1-based): chr2:208,129,524-208,129,533, AGTATTGTTG deleted on the plus strand (CAACAATACT on the coding strand, the reverse complement: CRYGC is on the minus strand); deleting any 10 consecutive bases within chr2:208,129,524-208,129,534 gives the same sequence; the c. name uses the placement nearest the transcript's 3' end. VCF-style (leftmost placement, unchanged base first): chr2-208129523-AAGTATTGTTG-A. GRCh37 (hg19) VCF-style: chr2-208994247-AAGTATTGTTG-A.
Other names: short protein forms Q54fs.
Identifiers: ClinVar variation 4998073 (VCV004998073.1).